The following is an entry in ClinVar:

ClinVar aggregate classification (germline): Uncertain significance (1 of 4 stars; one submission).

Conditions:
Neuronal ceroid lipofuscinosis. Also called: Neuronal Ceroid Lipofuscinoses. Identifiers: Orphanet 216, Orphanet 79263, MedGen C0027877, MONDO:0016295. Disease mechanism: loss of function.

Submission:

Labcorp Genetics (formerly Invitae), Labcorp
Classification: Uncertain significance for Neuronal ceroid lipofuscinosis. Last evaluated: 2022-11-22. Review status: criteria provided, single submitter. Criteria: Invitae Variant Classification Sherloc (09022015). Collection method: clinical testing. Allele origin: germline.
Comment: In summary, the available evidence is currently insufficient to determine the role of this variant in disease. Therefore, it has been classified as a Variant of Uncertain Significance. Algorithms developed to predict the effect of missense changes on protein structure and function output the following: SIFT: "Deleterious"; PolyPhen-2: "Probably Damaging"; Align-GVGD: "Class C0". The glutamine amino acid residue is found in multiple mammalian species, which suggests that this missense change does not adversely affect protein function. This variant has not been reported in the literature in individuals affected with CLN5-related conditions. This variant is not present in population databases (gnomAD no frequency). This sequence change replaces proline, which is neutral and non-polar, with glutamine, which is neutral and polar, at codon 34 of the CLN5 protein (p.Pro34Gln).

NC_000013.11:g.76992052C>A

Gene: CLN5 (CLN5 lysosomal BMP synthase; plus strand). Cytogenetic location: 13q22.3.
Variant type: single nucleotide variant.
Molecular consequence: missense variant (on NM_006493.2).
Genome position: GRCh38 VCF-style: chr13-76992052-C-A. GRCh37 (hg19) VCF-style: chr13-77566187-C-A.
Other names: c.101C>A, p.Pro34Gln (NM_006493.2); short protein forms P34Q.
Identifiers: ClinVar variation 1716397 (VCV001716397.6), dbSNP rs937545860, ClinGen allele CA388305995.